The following is an entry in ClinVar:

NM_144997.7(FLCN):c.*8C>T

Gene: FLCN (folliculin; minus strand). Cytogenetic location: 17p11.2.
Variant type: single nucleotide variant.
Coding change: c.*8C>T on transcript NM_144997.7 (MANE Select); 8 bases downstream of the stop codon, C replaced by T.
Molecular consequence: 3 prime UTR variant.
Genome position (GRCh38, 1-based): chr17:17,213,647, G>A on the plus strand (C>T on the coding strand, the complement: FLCN is on the minus strand). VCF-style: chr17-17213647-G-A. GRCh37 (hg19) VCF-style: chr17-17116961-G-A.
Other names: c.*8C>T (NM_001353229.2, NM_001353230.2, NM_001353231.2).
Identifiers: ClinVar variation 3773115 (VCV003773115.1).

ClinVar aggregate classification (germline): Benign (1 of 4 stars; one submission).

Conditions:
Birt-Hogg-Dube syndrome 1 (BHD1). Also called: FIBROFOLLICULOMAS WITH TRICHODISCOMAS AND ACROCHORDONS. Identifiers: Orphanet 122, MedGen CN375946, MONDO:0800445, OMIM 135150.

gnomAD v4.1: 5 of 1,614,058 alleles (0.00031%); highest among the groups gnomAD compares: African/African-American, 0.0013%; no homozygotes.

Submission:

Myriad Genetics, Inc.
Classification: Benign for Birt-Hogg-Dube syndrome 1. Last evaluated: 2024-10-28. Review status: criteria provided, single submitter. Criteria: Myriad Autosomal Dominant, Autosomal Recessive and X-Linked Classification Criteria (2023). Collection method: clinical testing. Allele origin: unknown.
Comment: This variant is considered benign. This variant occurs in the non-coding 3' untranslated region of the gene, and is not expected to impact protein function.